The following is an entry in ClinVar:

NM_000059.4(BRCA2):c.3922G>C (p.Glu1308Gln)

Gene: BRCA2 (BRCA2 DNA repair associated; plus strand). Cytogenetic location: 13q13.1.
Variant type: single nucleotide variant.
Coding change: c.3922G>C on transcript NM_000059.4 (MANE Select); coding-DNA position 3922, G replaced by C.
Protein change: p.Glu1308Gln; replaces glutamic acid 1308 with glutamine.
Molecular consequence: missense variant.
Genome position (GRCh38, 1-based): chr13:32,338,277, G>C. VCF-style: chr13-32338277-G-C. GRCh37 (hg19) VCF-style: chr13-32912414-G-C.
Other names: short protein forms E1308Q.
Identifiers: ClinVar variation 1431220 (VCV001431220.11), dbSNP rs80358638, ClinGen allele CA387778830.

ClinVar aggregate classification (germline): Conflicting classifications of pathogenicity. Review status: criteria provided, conflicting classifications (1 of 4 stars). 3 submissions from 3 submitters: Uncertain significance (2); Likely benign (1). Last evaluated 2023-03-23.

Conditions:
Hereditary cancer-predisposing syndrome. Also called: Hereditary Cancer Syndrome; Hereditary neoplastic syndrome; Neoplastic Syndromes, Hereditary; Tumor predisposition. Identifiers: Orphanet 140162, MedGen C0027672, MeSH D009386, MONDO:0015356.
Hereditary breast ovarian cancer syndrome. Also called: Hereditary breast and ovarian cancer syndrome (HBOC); Breast and ovarian cancer; BRCA1- and BRCA2-Associated Hereditary Breast and Ovarian Cancer; Hereditary breast and/or ovarian cancer syndrome; Hereditary breast and ovarian cancer; Hereditary breast and ovarian cancer syndrome. Identifiers: Orphanet 145, MedGen C0677776, MeSH D061325, MONDO:0003582. Disease mechanism: loss of function.

Submissions (3):

University of Washington Department of Laboratory Medicine, University of Washington
Classification: Likely benign for Hereditary cancer-predisposing syndrome. Last evaluated: 2023-03-23. Review status: criteria provided, single submitter. Criteria: Dines et al. (Genet Med. 2020). Collection method: curation. Allele origin: germline.
Comment: Missense variant in a coldspot region where missense variants are very unlikely to be pathogenic (PMID:31911673).

BRCA2 exon 11 coldspot. Reclassification based on statistical prior probability.

Labcorp Genetics (formerly Invitae), Labcorp
Classification: Uncertain significance for Hereditary breast ovarian cancer syndrome. Last evaluated: 2023-03-03. Review status: criteria provided, single submitter. Criteria: Invitae Variant Classification Sherloc (09022015). Collection method: clinical testing. Allele origin: germline.
Comment: In summary, the available evidence is currently insufficient to determine the role of this variant in disease. Therefore, it has been classified as a Variant of Uncertain Significance. This sequence change replaces glutamic acid, which is acidic and polar, with glutamine, which is neutral and polar, at codon 1308 of the BRCA2 protein (p.Glu1308Gln). Advanced modeling of protein sequence and biophysical properties (such as structural, functional, and spatial information, amino acid conservation, physicochemical variation, residue mobility, and thermodynamic stability) performed at Invitae indicates that this missense variant is not expected to disrupt BRCA2 protein function. ClinVar contains an entry for this variant (Variation ID: 1431220). This variant has not been reported in the literature in individuals affected with BRCA2-related conditions. This variant is not present in population databases (gnomAD no frequency).

Ambry Genetics
Classification: Uncertain significance for Hereditary cancer-predisposing syndrome. Last evaluated: 2015-10-13. Review status: criteria provided, single submitter. Criteria: Ambry Variant Classification Scheme 2023. Collection method: clinical testing. Allele origin: germline.
Comment: The p.E1308Q variant (also known as c.3922G>C), located in coding exon 10 of the BRCA2 gene, results from a G to C substitution at nucleotide position 3922. The glutamic acid at codon 1308 is replaced by glutamine, an amino acid with highly similar properties. This variant was not reported in population based cohorts in the following databases: Database of Single Nucleotide Polymorphisms (dbSNP), NHLBI Exome Sequencing Project (ESP), and 1000 Genomes Project. In the ESP, this variant was not observed in 6400 samples (12800 alleles) with coverage at this position. To date, this alteration has been detected with an allele frequency of approximately 0.001% (greater than 150000 alleles tested) in our clinical cohort. This amino acid position is poorly conserved in available vertebrate species. In addition, this alteration is predicted to be possibly damaging and tolerated by PolyPhen and SIFT in silico analyses, respectively. Since supporting evidence is limited at this time, the clinical significance of p.E1308Q remains unclear.